The following is an entry in ClinVar:

NM_002299.4(LCT):c.643G>A (p.Gly215Arg)

Gene: LCT (lactase; minus strand). Cytogenetic location: 2q21.3.
Variant type: single nucleotide variant.
Coding change: c.643G>A on transcript NM_002299.4 (MANE Select); coding-DNA position 643, G replaced by A.
Protein change: p.Gly215Arg; replaces glycine 215 with arginine.
Molecular consequence: missense variant.
Genome position (GRCh38, 1-based): chr2:135,833,188, C>T on the plus strand (G>A on the coding strand, the complement: LCT is on the minus strand). VCF-style: chr2-135833188-C-T. GRCh37 (hg19) VCF-style: chr2-136590758-C-T.
Other names: c.643G>A (LRG_338t1); short protein forms G215R.
Identifiers: ClinVar variation 331208 (VCV000331208.11), dbSNP rs886054869, ClinGen allele CA10610782.
Genomic context (GRCh38, chr2:135,833,188, plus strand): 5'-TGGGTGGTTCTAGCAGGAGCTCCGGGATATCTTCAGCTCGCAGGACAACAGAGAGTTTTC[C>T]GCCTGAAACCAACCAGAGACACGAACAGCAGGTGAGCGAGGGCAGGAGGCTCTGACTGTG-3'
Protein context (NP_002290.2, residues 205-225): IYHESYAFQG[Gly215Arg]KLSVVLRAED

ClinVar aggregate classification (germline): Uncertain significance. Review status: criteria provided, multiple submitters, no conflicts (2 of 4 stars). 3 submissions from 3 submitters: Uncertain significance (3). Last evaluated 2024-11-19.

Conditions:
Inborn genetic diseases. Identifiers: MedGen C0950123, MeSH D030342.
Congenital lactase deficiency. Also called: ALACTASIA, CONGENITAL; DISACCHARIDE INTOLERANCE II. Identifiers: Orphanet 53690, MedGen C0268179, MONDO:0009115, OMIM 223000.

Allele frequency attached by ClinVar (database versions not stated): TOPMed below 0.00001; gnomAD 0.00001.
gnomAD v4.1: 18 of 1,613,272 alleles (0.0011%); highest among the groups gnomAD compares: Middle Eastern, 0.016%; no homozygotes.

Submissions (3):

Labcorp Genetics (formerly Invitae), Labcorp
Classification: Uncertain significance. Last evaluated: 2024-11-19. Review status: criteria provided, single submitter. Criteria: Invitae Variant Classification Sherloc (09022015). Collection method: clinical testing. Allele origin: germline.
Comment: This sequence change replaces glycine, which is neutral and non-polar, with arginine, which is basic and polar, at codon 215 of the LCT protein (p.Gly215Arg). This variant is not present in population databases (gnomAD no frequency). This variant has not been reported in the literature in individuals affected with LCT-related conditions. ClinVar contains an entry for this variant (Variation ID: 331208). An algorithm developed to predict the effect of missense changes on protein structure and function (PolyPhen-2) suggests that this variant is likely to be tolerated. In summary, the available evidence is currently insufficient to determine the role of this variant in disease. Therefore, it has been classified as a Variant of Uncertain Significance.

Ambry Genetics
Classification: Uncertain significance for Inborn genetic diseases. Last evaluated: 2021-08-13. Review status: criteria provided, single submitter. Criteria: Ambry Variant Classification Scheme 2023. Collection method: clinical testing. Allele origin: germline.

Illumina Laboratory Services, Illumina
Classification: Uncertain significance for Congenital lactase deficiency. Last evaluated: 2018-01-13. Review status: criteria provided, single submitter. Criteria: ICSL Variant Classification Criteria 13 December 2019. Collection method: clinical testing. Allele origin: germline.